The following is an entry in ClinVar:

ClinVar aggregate classification (germline): Uncertain significance (1 of 4 stars; one submission).

gnomAD v4.1: 1 of 1,614,094 alleles (0.000062%); highest among the groups gnomAD compares: East Asian, 0.0022%; no homozygotes.

Submission:

GeneDx
Classification: Uncertain significance. Last evaluated: 2025-05-12. Review status: criteria provided, single submitter. Criteria: GeneDx Variant Classification Process June 2021. Collection method: clinical testing. Allele origin: germline. Affected: yes.
Comment: Not observed at significant frequency in large population cohorts (gnomAD); In silico analysis suggests that this missense variant does not alter protein structure/function; Has not been previously published as pathogenic or benign to our knowledge

NM_005402.4(RALA):c.161A>G (p.Lys54Arg)

Gene: RALA (RAS like proto-oncogene A; plus strand). Cytogenetic location: 7p14.1.
Variant type: single nucleotide variant.
Coding change: c.161A>G on transcript NM_005402.4 (MANE Select); coding-DNA position 161, A replaced by G.
Protein change: p.Lys54Arg; replaces lysine 54 with arginine.
Molecular consequence: missense variant.
Genome position (GRCh38, 1-based): chr7:39,690,428, A>G. VCF-style: chr7-39690428-A-G. GRCh37 (hg19) VCF-style: chr7-39730027-A-G.
Other names: short protein forms K54R.
Identifiers: ClinVar variation 3393659 (VCV003393659.2).